The following is an entry in ClinVar:

NM_138477.4(CDAN1):c.3153G>A (p.Glu1051=)

Gene: CDAN1 (codanin 1; minus strand). Cytogenetic location: 15q15.2.
Variant type: single nucleotide variant.
Coding change: c.3153G>A on transcript NM_138477.4 (MANE Select); coding-DNA position 3153, G replaced by A.
Protein change: p.Glu1051=; no amino-acid change (glutamic acid 1051 retained).
Molecular consequence: synonymous variant.
Genome position (GRCh38, 1-based): chr15:42,726,361, C>T on the plus strand (G>A on the coding strand, the complement: CDAN1 is on the minus strand). VCF-style: chr15-42726361-C-T. GRCh37 (hg19) VCF-style: chr15-43018559-C-T.
Other names: p.Glu1051=; c.3153G>A, p.Glu1051= (LRG_1164t1).
Identifiers: ClinVar variation 262374 (VCV000262374.34), dbSNP rs28661826, ClinGen allele CA7515261.

ClinVar aggregate classification (germline): Benign/Likely benign. Review status: criteria provided, multiple submitters, no conflicts (2 of 4 stars). 10 submissions from 10 submitters: Benign (7); Likely benign (1). 2 of the submissions do not count toward it. Last evaluated 2026-02-03.

Conditions:
Anemia, congenital dyserythropoietic, type 1a (CDAN1A). Also called: CDAN1-Related Congenital Dyserythropoietic Anemia; DYSERYTHROPOIETIC ANEMIA, CONGENITAL, TYPE Ia. Identifiers: MedGen C5574667, MONDO:0009135, OMIM 224120.
Congenital dyserythropoietic anemia, type I. Also called: Dyserythropoietic anemia, congenital type 1. Identifiers: Orphanet 98869, MedGen C0271933, MONDO:0020337. Disease mechanism: loss of function.

Allele frequency attached by ClinVar (database versions not stated): ESP Exome Variant Server 0.06114; gnomAD 0.06180 and 0.06415; TOPMed 0.06727; 1000 Genomes Project 30x 0.07839; 1000 Genomes Project 0.07887.
gnomAD v4.1: 35,299 of 1,598,168 alleles (2.2%); highest among the groups gnomAD compares: African/African-American, 18%; 1,583 homozygotes.

Submissions (10):

Labcorp Genetics (formerly Invitae), Labcorp
Classification: Benign. Last evaluated: 2026-02-03. Review status: criteria provided, single submitter. Criteria: Invitae Variant Classification Sherloc (09022015). Collection method: clinical testing. Allele origin: germline.

ARUP Laboratories, Molecular Genetics and Genomics, ARUP Laboratories
Classification: Benign for Anemia, congenital dyserythropoietic, type 1a. Last evaluated: 2025-07-28. Review status: criteria provided, single submitter. Criteria: ARUP Molecular Germline Variant Investigation Process 2024. Collection method: clinical testing. Allele origin: germline.

Blueprint Genetics
Classification: Likely benign. Last evaluated: 2024-11-27. Review status: criteria provided, single submitter. Criteria: ACMG Guidelines, 2015. Collection method: clinical testing. Allele origin: germline.

GeneDx
Classification: Benign. Last evaluated: 2021-05-04. Review status: criteria provided, single submitter. Criteria: GeneDx Variant Classification Process June 2021. Collection method: clinical testing. Allele origin: germline. Affected: yes.

Illumina Laboratory Services, Illumina
Classification: Benign for Anemia, congenital dyserythropoietic, type 1a. Last evaluated: 2018-01-13. Review status: criteria provided, single submitter. Criteria: ICSL Variant Classification Criteria 13 December 2019. Collection method: clinical testing. Allele origin: germline.
Comment: This variant was observed in the ICSL laboratory as part of a predisposition screen in an ostensibly healthy population. It had not been previously curated by ICSL or reported in the Human Gene Mutation Database (HGMD: prior to June 1st, 2018), and was therefore a candidate for classification through an automated scoring system. Utilizing variant allele frequency, disease prevalence and penetrance estimates, and inheritance mode, an automated score was calculated to assess if this variant is too frequent to cause the disease. Based on the score and internal cut-off values, a variant classified as benign is not then subjected to further curation. The score for this variant resulted in a classification of benign for this disease.

Mayo Clinic Laboratories, Mayo Clinic
Classification: Benign. Last evaluated: 2016-08-24. Review status: criteria provided, single submitter. Criteria: ACMG Guidelines, 2015. Collection method: clinical testing. Allele origin: germline. Observed: 192 variant alleles.

Breakthrough Genomics
Classification: Benign. Review status: criteria provided, single submitter. Criteria: ACMG Guidelines, 2015. Collection method: not provided. Allele origin: germline. Inheritance: Autosomal recessive inheritance. Affected: yes.

PreventionGenetics, part of Exact Sciences
Classification: Benign. Review status: criteria provided, single submitter. Criteria: ACMG Guidelines, 2015. Collection method: clinical testing. Allele origin: germline.

Joint Genome Diagnostic Labs from Nijmegen and Maastricht, Radboudumc and MUMC+
Classification: Benign. Review status: no assertion criteria provided. Collection method: clinical testing. Allele origin: germline. Affected: yes. Study: VKGL Data-share Consensus. Not counted in ClinVar's aggregate classification.

Laboratory of Diagnostic Genome Analysis, Leiden University Medical Center (LUMC)
Classification: Benign. Review status: no assertion criteria provided. Collection method: clinical testing. Allele origin: germline. Affected: yes. Study: VKGL Data-share Consensus. Not counted in ClinVar's aggregate classification.